The following is an entry in ClinVar:

ClinVar aggregate classification (germline): Likely benign. Review status: criteria provided, multiple submitters, no conflicts (2 of 4 stars). 2 submissions from 2 submitters: Likely benign (2). Last evaluated 2024-11-15.

Conditions:
UBR1-related disorder. Also called: UBR1-related condition.

Allele frequency attached by ClinVar (database versions not stated): gnomAD exomes 0.00002; ExAC 0.00003; TOPMed 0.00009; gnomAD 0.00010 and 0.00012.
gnomAD v4.1: 69 of 1,613,428 alleles (0.0043%); highest among the groups gnomAD compares: African/African-American, 0.059%; no homozygotes.

Submissions (2):

PreventionGenetics, part of Exact Sciences
Classification: Likely benign for UBR1-related condition. Last evaluated: 2024-11-15. Review status: criteria provided, single submitter. Criteria: ACMG Guidelines, 2015. Collection method: clinical testing. Allele origin: germline.
Comment: This variant is classified as likely benign based on ACMG/AMP sequence variant interpretation guidelines (Richards et al. 2015 PMID: 25741868, with internal and published modifications).

Labcorp Genetics (formerly Invitae), Labcorp
Classification: Likely benign. Last evaluated: 2023-12-14. Review status: criteria provided, single submitter. Criteria: Invitae Variant Classification Sherloc (09022015). Collection method: clinical testing. Allele origin: germline.

NM_174916.3(UBR1):c.2487A>G (p.Lys829=)

Gene: UBR1 (ubiquitin protein ligase E3 component n-recognin 1; minus strand). Cytogenetic location: 15q15.2.
Variant type: single nucleotide variant.
Coding change: c.2487A>G on transcript NM_174916.3 (MANE Select); coding-DNA position 2487, A replaced by G.
Protein change: p.Lys829=; no amino-acid change (lysine 829 retained).
Molecular consequence: synonymous variant.
Genome position (GRCh38, 1-based): chr15:43,026,609, T>C on the plus strand (A>G on the coding strand, the complement: UBR1 is on the minus strand). VCF-style: chr15-43026609-T-C. GRCh37 (hg19) VCF-style: chr15-43318807-T-C.
Identifiers: ClinVar variation 797528 (VCV000797528.9), dbSNP rs112947825, ClinGen allele CA7518452.
Genomic context (GRCh38, chr15:43,026,609, plus strand): 5'-ACTTTTTTCTACCTTGCTATGCTGGGTTTTGGAGTAATGATAAAAGTACATATTGAAGTC[T>C]TTCAGTGATTCATCTTTTAGTTCATAAACTCCATGGCCTGATACACCTGGTTTCCTAAAT-3'
Protein context (NP_777576.1, residues 819-839): GVYELKDESL[Lys829=]DFNMYFYHYS